The following is an entry in ClinVar:

ClinVar aggregate classification (germline): Benign (1 of 4 stars; one submission).

Allele frequency attached by ClinVar (database versions not stated): gnomAD exomes 0.01945; gnomAD 0.03046; TOPMed 0.03738; 1000 Genomes Project 30x 0.09229; 1000 Genomes Project 0.09824.
gnomAD v4.1: 32,813 of 1,573,276 alleles (2.1%); highest among the groups gnomAD compares: East Asian, 32%; 3,416 homozygotes.

Submission:

Unidad de Genómica Garrahan, Hospital de Pediatría Garrahan
Classification: Benign. Last evaluated: 2024-01-24. Review status: criteria provided, single submitter. Criteria: ACMG Guidelines, 2015. Collection method: clinical testing. Allele origin: germline. Affected: no. Observed: 31 variant alleles.
Comment: This variant is classified as Benign based on local population frequency. This variant was detected in 33% of patients studied by a panel of primary immunodeficiencies. Number of patients: 31. Only high quality variants are reported.

NM_001144958.2(CRACR2A):c.1046+61T>C

Gene: CRACR2A (calcium release activated channel regulator 2A; minus strand). Cytogenetic location: 12p13.32.
Variant type: single nucleotide variant.
Coding change: c.1046+61T>C on transcript NM_001144958.2 (MANE Select); 61 bases into the intron after coding-DNA position 1046, T replaced by C.
Molecular consequence: intron variant.
Genome position (GRCh38, 1-based): chr12:3,654,151, A>G on the plus strand (T>C on the coding strand, the complement: CRACR2A is on the minus strand). VCF-style: chr12-3654151-A-G. GRCh37 (hg19) VCF-style: chr12-3763317-A-G.
Other names: c.1046+61T>C (NM_032680.4).
Identifiers: ClinVar variation 2688219 (VCV002688219.2), dbSNP rs12229948, ClinGen allele CA231741278.